The following is an entry in ClinVar:

ClinVar aggregate classification (germline): Pathogenic (1 of 4 stars; one submission).

Conditions:
Symmetrical dyschromatosis of extremities (DSH). Also called: DYSCHROMATOSIS SYMMETRICA HEREDITARIA 1; RETICULATE ACROPIGMENTATION OF DOHI; SYMMETRIC DYSCHROMATOSIS OF THE EXTREMITIES; Dyschromatosis symmetrica hereditaria. Identifiers: Orphanet 41, MedGen C0406775, MONDO:0007483, OMIM 127400.

Submission:

Dermatology, The Second Affiliated Hospital of Xi'an Jiaotong University
Classification: Pathogenic for Symmetrical dyschromatosis of extremities. Last evaluated: 2021-08-18. Review status: criteria provided, single submitter. Criteria: ACMG Guidelines, 2015. Collection method: clinical testing. Allele origin: germline. Affected: yes. Observed: 2 variant alleles.
Comment: Frameshift deletion `c.2181delT` is classified as **Pathogenic** for autosomal dominant Dyschromatosis symmetrica hereditaria (OMIM 127400). The variant is predicted to cause loss of function through nonsense-mediated mRNA decay (**PVS1**), a well-established mechanism for this disorder. It is absent in population databases (gnomAD) (**PM2**). This observation demonstrates direct parent-to-offspring transmission consistent with autosomal dominant inheritance (**PP1_Supporting**) and provides strong evidence for disease association (**PS4_Moderate**). The combined evidence unequivocally support

NM_001111.5(ADAR):c.2181del (p.Val728fs)

Gene: ADAR (adenosine deaminase RNA specific; minus strand). Cytogenetic location: 1q21.3.
Variant type: Deletion.
Coding change: c.2181del on transcript NM_001111.5 (MANE Select); coding-DNA position 2181, one base deleted (T; older notation c.2181delT).
Protein change: p.Val728fs; shifts the reading frame from valine 728.
Molecular consequence: frameshift variant.
Genome position (GRCh38, 1-based): chr1:154,596,894, A deleted on the plus strand (T on the coding strand, the reverse complement: ADAR is on the minus strand). VCF-style (leftmost placement, unchanged base first): chr1-154596893-CA-C. GRCh37 (hg19) VCF-style: chr1-154569369-CA-C.
Other names: c.1296del, p.Val433fs (NM_001025107.3, NM_001193495.2, NM_001365046.1 and 3 more transcripts); c.2208del, p.Val737fs (NM_001365045.1); c.2181del, p.Val728fs (NM_015840.4); c.2124del, p.Val709fs (NM_015841.4); c.2181delT (NM_001111.5); short protein forms V433fs, V709fs, V728fs, V737fs.
Identifiers: ClinVar variation 4075407 (VCV004075407.1).